The following is an entry in ClinVar:

NM_001378454.1(ALMS1):c.5350A>T (p.Lys1784Ter)

Gene: ALMS1 (ALMS1 centrosome and basal body associated protein; plus strand). Cytogenetic location: 2p13.1.
Variant type: single nucleotide variant.
Coding change: c.5350A>T on transcript NM_001378454.1 (MANE Select); coding-DNA position 5350, A replaced by T.
Protein change: p.Lys1784Ter; replaces lysine 1784 with a stop codon.
Molecular consequence: nonsense.
Genome position (GRCh38, 1-based): chr2:73,451,877, A>T. VCF-style: chr2-73451877-A-T. GRCh37 (hg19) VCF-style: chr2-73679004-A-T.
Other names: c.5353A>T, p.Lys1785Ter (NM_015120.4); short protein forms K1784*, K1785*.
Identifiers: ClinVar variation 2028114 (VCV002028114.4), dbSNP rs2466104633, ClinGen allele CA347281057.

ClinVar aggregate classification (germline): Pathogenic (1 of 4 stars; one submission).

Conditions:
Alstrom syndrome (ALMS). Identifiers: Orphanet 64, MedGen C0268425, MONDO:0008763, OMIM 203800.

Submission:

Labcorp Genetics (formerly Invitae), Labcorp
Classification: Pathogenic for Alstrom syndrome. Last evaluated: 2024-02-16. Review status: criteria provided, single submitter. Criteria: Invitae Variant Classification Sherloc (09022015). Collection method: clinical testing. Allele origin: germline.
Comment: This sequence change creates a premature translational stop signal (p.Lys1785*) in the ALMS1 gene. It is expected to result in an absent or disrupted protein product. Loss-of-function variants in ALMS1 are known to be pathogenic (PMID: 17594715). This variant is not present in population databases (gnomAD no frequency). This variant has not been reported in the literature in individuals affected with ALMS1-related conditions. ClinVar contains an entry for this variant (Variation ID: 2028114). For these reasons, this variant has been classified as Pathogenic.

Literature cited by the submitters: PubMed 17594715.